The following is an entry in ClinVar:

ClinVar aggregate classification (germline): Uncertain significance. Review status: criteria provided, multiple submitters, no conflicts (2 of 4 stars). 2 submissions from 2 submitters: Uncertain significance (2). Last evaluated 2022-11-03.

Conditions:
Primary dilated cardiomyopathy (DCM). Also called: Dilated Cardiomyopathy. Identifiers: Orphanet 217604, MedGen C0007193, MeSH D002311, MONDO:0005021, HP:0001644. Inheritance: Various modes of inheritance.
Hypertrophic cardiomyopathy. Also called: HYPERTROPHIC MYOCARDIOPATHY. Identifiers: Orphanet 217569, MedGen C0007194, MeSH D002312, MONDO:0005045, HP:0001639.

gnomAD v4.1: 1 of 1,613,722 alleles (0.000062%); highest among the groups gnomAD compares: African/African-American, 0.0013%; no homozygotes.

Submissions (2):

Labcorp Genetics (formerly Invitae), Labcorp
Classification: Uncertain significance for Hypertrophic cardiomyopathy; Primary dilated cardiomyopathy. Last evaluated: 2022-11-03. Review status: criteria provided, single submitter. Criteria: Invitae Variant Classification Sherloc (09022015). Collection method: clinical testing. Allele origin: germline.
Comment: In summary, the available evidence is currently insufficient to determine the role of this variant in disease. Therefore, it has been classified as a Variant of Uncertain Significance. Advanced modeling of protein sequence and biophysical properties (such as structural, functional, and spatial information, amino acid conservation, physicochemical variation, residue mobility, and thermodynamic stability) performed at Invitae indicates that this missense variant is expected to disrupt PDLIM3 protein function. ClinVar contains an entry for this variant (Variation ID: 1462616). This variant has not been reported in the literature in individuals affected with PDLIM3-related conditions. This variant is not present in population databases (gnomAD no frequency). This sequence change replaces proline, which is neutral and non-polar, with arginine, which is basic and polar, at codon 292 of the PDLIM3 protein (p.Pro292Arg).

Ambry Genetics
Classification: Uncertain significance. Last evaluated: 2022-05-18. Review status: criteria provided, single submitter. Criteria: Ambry Variant Classification Scheme 2023. Collection method: clinical testing. Allele origin: germline.
Comment: The p.P292R variant (also known as c.875C>G), located in coding exon 7 of the PDLIM3 gene, results from a C to G substitution at nucleotide position 875. The proline at codon 292 is replaced by arginine, an amino acid with dissimilar properties. This amino acid position is conserved. In addition, this alteration is predicted to be deleterious by in silico analysis. Since supporting evidence is limited at this time, the clinical significance of this alteration remains unclear.

NM_014476.6(PDLIM3):c.875C>G (p.Pro292Arg)

Gene: PDLIM3 (PDZ and LIM domain 3; minus strand). Cytogenetic location: 4q35.1.
Variant type: single nucleotide variant.
Coding change: c.875C>G on transcript NM_014476.6 (MANE Select); coding-DNA position 875, C replaced by G.
Protein change: p.Pro292Arg; replaces proline 292 with arginine.
Molecular consequence: missense variant. On other transcripts: non-coding transcript variant (1).
Genome position (GRCh38, 1-based): chr4:185,504,505, G>C on the plus strand (C>G on the coding strand, the complement: PDLIM3 is on the minus strand). VCF-style: chr4-185504505-G-C. GRCh37 (hg19) VCF-style: chr4-186425659-G-C.
Other names: c.731C>G, p.Pro244Arg (NM_001114107.5); c.611C>G, p.Pro204Arg (NM_001257962.2); c.374C>G, p.Pro125Arg (NM_001257963.2); short protein forms P204R, P244R, P292R, P125R.
Identifiers: ClinVar variation 1462616 (VCV001462616.8), dbSNP rs200921332, ClinGen allele CA358921089.